The following is an entry in ClinVar:

NM_001267550.2(TTN):c.91898C>T (p.Thr30633Ile)

Genes: TTN (titin; minus strand), TTN-AS1 (TTN antisense RNA 1; plus strand). Cytogenetic location: 2q31.2.
Variant type: single nucleotide variant.
Coding change: c.91898C>T on transcript NM_001267550.2 (MANE Select); coding-DNA position 91898, C replaced by T.
Protein change: p.Thr30633Ile; replaces threonine 30633 with isoleucine.
Molecular consequence: missense variant.
Genome position (GRCh38, 1-based): chr2:178,549,824, G>A on the plus strand (C>T on the coding strand, the complement: TTN is on the minus strand). VCF-style: chr2-178549824-G-A. GRCh37 (hg19) VCF-style: chr2-179414551-G-A.
Other names: c.86975C>T, p.Thr28992Ile (NM_001256850.1); c.64703C>T, p.Thr21568Ile (NM_003319.4); c.84194C>T, p.Thr28065Ile (NM_133378.4); c.65078C>T, p.Thr21693Ile (NM_133432.3); c.65279C>T, p.Thr21760Ile (NM_133437.4); short protein forms T21568I, T30633I, T28065I, T21693I, T28992I, T21760I.
Identifiers: ClinVar variation 518580 (VCV000518580.5), dbSNP rs780636599, ClinGen allele CA349496090.

ClinVar aggregate classification (germline): Uncertain significance (1 of 4 stars; one submission).

Conditions:
Cardiovascular phenotype. Identifiers: MedGen CN230736.

gnomAD v4.1: 1 of 1,598,014 alleles (0.000063%); highest among the groups gnomAD compares: Non-Finnish European, 0.000085%; no homozygotes.

Submission:

Ambry Genetics
Classification: Uncertain significance for Cardiovascular phenotype. Last evaluated: 2016-10-27. Review status: criteria provided, single submitter. Criteria: Ambry Variant Classification Scheme 2023. Collection method: clinical testing. Allele origin: germline.
Comment: The p.T21568I variant (also known as c.64703C>T), located in coding exon 165 of the TTN gene, results from a C to T substitution at nucleotide position 64703. The threonine at codon 21568 is replaced by isoleucine, an amino acid with similar properties, and is located in the A-band region of the N2-B isoform of the titin protein. This variant was not reported in population based cohorts in the following databases: Database of Single Nucleotide Polymorphisms (dbSNP), NHLBI Exome Sequencing Project (ESP), and 1000 Genomes Project. In the ESP, this variant was not observed in 5954 samples (11908 alleles) with coverage at this position. This amino acid position is well conserved in available vertebrate species. In addition, this alteration is predicted to be tolerated by in silico analysis. Since supporting evidence is limited at this time, the clinical significance of this alteration remains unclear.